The following is an entry in ClinVar:

NM_000169.3(GLA):c.938A>T (p.Asp313Val)

Genes: GLA (galactosidase alpha; minus strand), RPL36A-HNRNPH2 (RPL36A-HNRNPH2 readthrough; plus strand). Cytogenetic location: Xq22.1.
Variant type: single nucleotide variant.
Coding change: c.938A>T on transcript NM_000169.3 (MANE Select); coding-DNA position 938, A replaced by T.
Protein change: p.Asp313Val; replaces aspartic acid 313 with valine.
Molecular consequence: missense variant. On other transcripts: non-coding transcript variant (3), intron variant (2).
Genome position (GRCh38, 1-based): chrX:101,398,431, T>A on the plus strand (A>T on the coding strand, the complement: GLA is on the minus strand). VCF-style: chrX-101398431-T-A. GRCh37 (hg19) VCF-style: chrX-100653419-T-A.
Other names: c.1061A>T, p.Asp354Val (NM_001406747.1); c.938A>T, p.Asp313Val (NM_001406748.1); c.300+2974T>A (NM_001199973.2); c.177+6609T>A (NM_001199974.2); short protein forms D313V, D354V.
Identifiers: ClinVar variation 4087593 (VCV004087593.2).

ClinVar aggregate classification (germline): Uncertain significance (1 of 4 stars; one submission).

Conditions:
Fabry disease. Also called: ALPHA-GALACTOSIDASE A DEFICIENCY; ANDERSON-FABRY DISEASE; CERAMIDE TRIHEXOSIDASE DEFICIENCY; GLA DEFICIENCY; HEREDITARY DYSTOPIC LIPIDOSIS; Angiokeratoma corporis diffusum. Identifiers: Orphanet 324, MedGen C0002986, MONDO:0010526, OMIM 301500, HP:0001071. Disease mechanism: Fabry disease is due to inactivating mutations in the X-linked GLA gene resulting in deficiency of the enzyme Alpha Galactosidase-A., loss of function.

Submission:

Genomenon, Inc
Classification: Uncertain significance for Fabry disease. Last evaluated: 2026-09-08. Review status: criteria provided, single submitter. Criteria: Genomenon Sequence Variant Interpretation Standards - Updated. Collection method: curation. Allele origin: germline. Affected: yes.
Comment: GLA p.Asp313Val (c.938A>T) is a missense variant that changes the amino acid at codon 313 from Aspartic acid to Valine. This variant has been observed in at least one proband with clinical features consistent with Fabry disease (PMID:39225306). Functional or patient cell studies have been reported (PMID:39225306). It is absent or not present at a significant frequency in gnomAD. In silico models predict that this variant is possibly or probably damaging. In conclusion, we classify GLA p.Asp313Val (c.938A>T) as a variant of uncertain significance.

Literature cited by the submitters: PubMed 39225306.